The following is an entry in ClinVar:

ClinVar aggregate classification (germline): Pathogenic (1 of 4 stars; one submission).

Conditions:
Hereditary factor VIII deficiency disease (HEMA). Also called: HEMOPHILIA, CLASSIC; AUTOSOMAL HEMOPHILIA A; Hemophilia A; Hemophilia A, congenital; HEM A; Factor 8 deficiency, congenital. Identifiers: Orphanet 98878, MedGen C0019069, MONDO:0010602, OMIM 306700.

Submission:

ARUP Laboratories, Molecular Genetics and Genomics, ARUP Laboratories
Classification: Pathogenic for Hereditary factor VIII deficiency disease. Last evaluated: 2020-10-05. Review status: criteria provided, single submitter. Criteria: ARUP Molecular Germline Variant Investigation Process 2021. Collection method: clinical testing. Allele origin: germline.
Comment: The F8 c.5379_5381delinsGA; p.Phe1794ThrfsTer77 variant, to our knowledge, is not reported in the medical literature or gene-specific databases. This variant is also absent from general population databases (Exome Variant Server, Genome Aggregation Database), indicating it is not a common polymorphism. This variant causes a frameshift by deleting three nucleotides and inserting two, so it is predicted to result in a truncated protein or mRNA subject to nonsense-mediated decay. Additionally, downstream truncating variants have been described in individuals with hemophilia A and are considered disease-causing (Factor VIII database and references therein). Based on available information, this variant is considered to be pathogenic. References: Factor VIII database

NM_000132.4(F8):c.5379_5381delinsGA (p.Phe1794fs)

Gene: F8 (coagulation factor VIII; minus strand). Cytogenetic location: Xq28.
Variant type: Indel.
Coding change: c.5379_5381delinsGA on transcript NM_000132.4 (MANE Select); coding-DNA positions 5379 to 5381, TTT replaced by GA.
Protein change: p.Phe1794fs; shifts the reading frame from phenylalanine 1794.
Molecular consequence: frameshift variant.
Genome position (GRCh38, 1-based): chrX:154,905,016-154,905,018, AAA replaced by TC on the plus strand (TTT replaced by GA on the coding strand, the reverse complement: F8 is on the minus strand). VCF-style: chrX-154905016-AAA-TC. GRCh37 (hg19) VCF-style: chrX-154133291-AAA-TC.
Other names: short protein forms F1794fs.
Identifiers: ClinVar variation 1331090 (VCV001331090.7), dbSNP rs1342455699, ClinGen allele CA2573055179.